The following is an entry in ClinVar:

ClinVar aggregate classification (germline): Uncertain significance (1 of 4 stars; one submission).

Submission:

Ambry Genetics
Classification: Uncertain significance. Last evaluated: 2023-01-22. Review status: criteria provided, single submitter. Criteria: Ambry Variant Classification Scheme 2023. Collection method: clinical testing. Allele origin: germline.
Comment: The p.W95R variant (also known as c.283T>A), located in coding exon 2 of the POLQ gene, results from a T to A substitution at nucleotide position 283. The tryptophan at codon 95 is replaced by arginine, an amino acid with dissimilar properties. This amino acid position is conserved. In addition, the in silico prediction for this alteration is inconclusive. Since supporting evidence is limited at this time, the clinical significance of this alteration remains unclear.

NM_199420.4(POLQ):c.283T>A (p.Trp95Arg)

Gene: POLQ (DNA polymerase theta; minus strand). Cytogenetic location: 3q13.33.
Variant type: single nucleotide variant.
Coding change: c.283T>A on transcript NM_199420.4 (MANE Select); coding-DNA position 283, T replaced by A.
Protein change: p.Trp95Arg; replaces tryptophan 95 with arginine.
Molecular consequence: missense variant.
Genome position (GRCh38, 1-based): chr3:121,544,787, A>T on the plus strand (T>A on the coding strand, the complement: POLQ is on the minus strand). VCF-style: chr3-121544787-A-T. GRCh37 (hg19) VCF-style: chr3-121263634-A-T.
Other names: short protein forms W95R.
Identifiers: ClinVar variation 3229898 (VCV003229898.1), dbSNP rs2546827909, ClinGen allele CA354094498.